The following is an entry in ClinVar:

NM_003923.3(FOXH1):c.*472G>T

Genes: FOXH1 (forkhead box H1; minus strand), KIFC2 (kinesin family member C2; plus strand). Cytogenetic location: 8q24.3.
Variant type: single nucleotide variant.
Coding change: c.*472G>T on transcript NM_003923.3 (MANE Select); 472 bases downstream of the stop codon, G replaced by T.
Molecular consequence: 3 prime UTR variant.
Genome position (GRCh38, 1-based): chr8:144,473,766, C>A on the plus strand (G>T on the coding strand, the complement: FOXH1 is on the minus strand). VCF-style: chr8-144473766-C-A. GRCh37 (hg19) VCF-style: chr8-145699149-C-A.
Other names: c.*377C>A (NM_001369769.2); c.*316C>A (NM_145754.5).
Identifiers: ClinVar variation 362270 (VCV000362270.5), dbSNP rs576710211, ClinGen allele CA10625021.

ClinVar aggregate classification (germline): Benign (1 of 4 stars; one submission).

Conditions:
Holoprosencephaly sequence (HPE). Also called: Holoprosencephaly. Identifiers: Orphanet 2162, MedGen C0079541, MONDO:0016296, HP:0001360.

Allele frequency attached by ClinVar (database versions not stated): gnomAD 0.00052 and 0.00080; TOPMed 0.00053; 1000 Genomes Project 0.00359; 1000 Genomes Project 30x 0.00406.
gnomAD v4.1: 309 of 398,654 alleles (0.078%); highest among the groups gnomAD compares: South Asian, 0.7%; no homozygotes.

Submission:

Illumina Laboratory Services, Illumina
Classification: Benign for Holoprosencephaly sequence. Last evaluated: 2018-01-13. Review status: criteria provided, single submitter. Criteria: ICSL Variant Classification Criteria 13 December 2019. Collection method: clinical testing. Allele origin: germline.
Comment: This variant was observed in the ICSL laboratory as part of a predisposition screen in an ostensibly healthy population. It had not been previously curated by ICSL or reported in the Human Gene Mutation Database (HGMD: prior to June 1st, 2018), and was therefore a candidate for classification through an automated scoring system. Utilizing variant allele frequency, disease prevalence and penetrance estimates, and inheritance mode, an automated score was calculated to assess if this variant is too frequent to cause the disease. Based on the score and internal cut-off values, a variant classified as benign is not then subjected to further curation. The score for this variant resulted in a classification of benign for this disease.